The following is an entry in ClinVar:

NC_000010.10:g.(14981869_14987103)_(14996096_?)dup

Gene: DCLRE1C (DNA cross-link repair 1C; minus strand). Cytogenetic location: 10p13.
Variant type: Duplication.
Identifiers: ClinVar variation 3366662 (VCV003366662.1).

ClinVar aggregate classification (germline): Uncertain significance (1 of 4 stars; one submission).

Submission:

Women's Health and Genetics/Laboratory Corporation of America, LabCorp
Classification: Uncertain significance. Last evaluated: 2024-08-22. Review status: criteria provided, single submitter. Criteria: LabCorp Variant Classification Summary - May 2015. Collection method: clinical testing. Allele origin: germline.
Comment: Variant summary: The variant involves the duplication of exons 1-3 in the DCLRE1C gene. A presumed nomenclature of c.(?_-87)_(246+1_247-1)dup has been designated for the purposes of this classification. The exact breakpoint at the 5' end of this variant is unknown, therefore this duplication may extend upstream of the annotated region of this gene. It is predicted to duplicate a segment including the initiation codon, therefore its impact on the encoded protein is unknown. The variant was absent in 21694 control chromosomes. Another duplication also involving exons 1-3 of this gene was reported in gnomAD in 36/21694 control chromosomes including 1 homozygote (DUP_10_29210), however it cannot be determined whether it is identical to the present variant. The available data on variant occurrences in the general population are insufficient to allow any conclusion about variant significance. To our knowledge, no occurrence of c.(?_-87)_(246+1_247-1)dup in individuals affected with Severe Combined Immunodeficiency and no experimental evidence demonstrating its impact on protein function have been reported. ClinVar contains an entry for a similar variant (Variation ID: 2423521). Based on the evidence outlined above, the variant was classified as uncertain significance.